The following is an entry in ClinVar:

ClinVar aggregate classification (germline): Uncertain significance (1 of 4 stars; one submission).

Conditions:
Charcot-Marie-Tooth disease recessive intermediate C. Also called: CHARCOT-MARIE-TOOTH NEUROPATHY, RECESSIVE INTERMEDIATE C. Identifiers: Orphanet 369867, MedGen C3809309, MONDO:0014154, OMIM 615376.
Neuronopathy, distal hereditary motor, autosomal recessive 4. Also called: NEUROPATHY, DISTAL HEREDITARY MOTOR, AUTOSOMAL RECESSIVE 4; Autosomal recessive lower motor neuron disease with childhood onset. Identifiers: Orphanet 206580, MedGen C1970211, MONDO:0012608, OMIM 611067.

Allele frequency attached by ClinVar (database versions not stated): gnomAD exomes 0.00001.
gnomAD v4.1: 7 of 1,556,544 alleles (0.00045%); highest among the groups gnomAD compares: Non-Finnish European, 0.00061%; no homozygotes.

Submission:

Labcorp Genetics (formerly Invitae), Labcorp
Classification: Uncertain significance for Neuronopathy, distal hereditary motor, autosomal recessive 4; Charcot-Marie-Tooth disease recessive intermediate C. Last evaluated: 2020-02-18. Review status: criteria provided, single submitter. Criteria: Invitae Variant Classification Sherloc (09022015). Collection method: clinical testing. Allele origin: germline.
Comment: This sequence change replaces serine with threonine at codon 934 of the PLEKHG5 protein (p.Ser934Thr). The serine residue is weakly conserved and there is a small physicochemical difference between serine and threonine. The frequency data for this variant in the population databases is considered unreliable, as metrics indicate insufficient coverage at this position in the ExAC database. This variant has not been reported in the literature in individuals with PLEKHG5-related conditions. Algorithms developed to predict the effect of missense changes on protein structure and function (SIFT, PolyPhen-2, Align-GVGD) all suggest that this variant is likely to be tolerated, but these predictions have not been confirmed by published functional studies and their clinical significance is uncertain. In summary, the available evidence is currently insufficient to determine the role of this variant in disease. Therefore, it has been classified as a Variant of Uncertain Significance.

NM_020631.6(PLEKHG5):c.2801G>C (p.Ser934Thr)

Gene: PLEKHG5 (pleckstrin homology and RhoGEF domain containing G5; minus strand). Cytogenetic location: 1p36.31.
Variant type: single nucleotide variant.
Coding change: c.2801G>C on transcript NM_020631.6 (MANE Select); coding-DNA position 2801, G replaced by C.
Protein change: p.Ser934Thr; replaces serine 934 with threonine.
Molecular consequence: missense variant. On other transcripts: intron variant (1).
Genome position (GRCh38, 1-based): chr1:6,468,035, C>G on the plus strand (G>C on the coding strand, the complement: PLEKHG5 is on the minus strand). VCF-style: chr1-6468035-C-G. GRCh37 (hg19) VCF-style: chr1-6528095-C-G.
Other names: c.2912G>C, p.Ser971Thr (NM_001042663.3, NM_001265592.2); c.2801G>C, p.Ser934Thr (NM_001042664.2, NM_001042665.2, NM_198681.4); c.3008G>C, p.Ser1003Thr (NM_001265593.2); c.2737+64G>C (NM_001265594.3); short protein forms S1003T, S934T, S971T.
Identifiers: ClinVar variation 1001153 (VCV001001153.16), dbSNP rs1404826523, ClinGen allele CA338114799.